The following is an entry in ClinVar:

NM_001270508.2(TNFAIP3):c.1906C>T (p.His636Tyr)

Gene: TNFAIP3 (TNF alpha induced protein 3; plus strand). Cytogenetic location: 6q23.3.
Variant type: single nucleotide variant.
Coding change: c.1906C>T on transcript NM_001270508.2 (MANE Select); coding-DNA position 1906, C replaced by T.
Protein change: p.His636Tyr; replaces histidine 636 with tyrosine.
Molecular consequence: missense variant.
Genome position (GRCh38, 1-based): chr6:137,879,351, C>T. VCF-style: chr6-137879351-C-T. GRCh37 (hg19) VCF-style: chr6-138200488-C-T.
Other names: c.1906C>T, p.His636Tyr (NM_001270507.2, NM_006290.4); short protein forms H636Y.
Identifiers: ClinVar variation 2152024 (VCV002152024.3), dbSNP rs200138929, ClinGen allele CA4019731.
Genomic context (GRCh38, chr6:137,879,351, plus strand): 5'-GGGACTCCAGAAAACAAGGGCTTTTGCACACTGTGTTTCATCGAGTACAGAGAAAACAAA[C>T]GTGAGTGAAGTGGTTGACTTCCTAACACAGCGGCTGCTGTCCAGAAGGGGTTTTGTTCCT-3'
Protein context (NP_001257437.1, residues 626-646): LCFIEYRENK[His636Tyr]FAAASGKVSP

ClinVar aggregate classification (germline): Uncertain significance (1 of 4 stars; one submission).

Allele frequency attached by ClinVar (database versions not stated): gnomAD 0.00001; ExAC 0.00002; TOPMed 0.00002; gnomAD exomes 0.00006.

Submission:

Labcorp Genetics (formerly Invitae), Labcorp
Classification: Uncertain significance. Last evaluated: 2024-04-25. Review status: criteria provided, single submitter. Criteria: Invitae Variant Classification Sherloc (09022015). Collection method: clinical testing. Allele origin: germline.
Comment: This sequence change replaces histidine, which is basic and polar, with tyrosine, which is neutral and polar, at codon 636 of the TNFAIP3 protein (p.His636Tyr). It affects a nucleotide within the consensus splice site. The frequency data for this variant in the population databases is considered unreliable, as metrics indicate poor data quality at this position in the gnomAD database. This missense change has been observed in individual(s) with TNFAIP3-related conditions (PMID: 30022980, 35753512). It has also been observed to segregate with disease in related individuals. ClinVar contains an entry for this variant (Variation ID: 2152024). Algorithms developed to predict the effect of missense changes on protein structure and function output the following: SIFT: "Not Available"; PolyPhen-2: "Benign"; Align-GVGD: "Not Available". The tyrosine amino acid residue is found in multiple mammalian species, which suggests that this missense change does not adversely affect protein function. Studies have shown that this missense change alters TNFAIP3 gene expression (PMID: 30022980). Variants that disrupt the consensus splice site are a relatively common cause of aberrant splicing (PMID: 17576681, 9536098). In summary, the available evidence is currently insufficient to determine the role of this variant in disease. Therefore, it has been classified as a Variant of Uncertain Significance.

Literature cited by the submitters: PubMed 30022980; PubMed 35753512; PubMed 17576681; PubMed 9536098.